The following is an entry in ClinVar:

ClinVar aggregate classification (germline): Conflicting classifications of pathogenicity. Review status: criteria provided, conflicting classifications (1 of 4 stars). 2 submissions from 2 submitters: Pathogenic (1); Uncertain significance (1). Last evaluated 2023-12-11.

Conditions:
Very long chain acyl-CoA dehydrogenase deficiency (ACADVLD). Also called: Very Long-Chain Acyl-Coenzyme A Dehydrogenase Deficiency; VLCAD Deficiency. Identifiers: Orphanet 26793, MedGen C3887523, MONDO:0008723, OMIM 201475.

Allele frequency attached by ClinVar (database versions not stated): TOPMed 0.00001.
gnomAD v4.1: 2 of 1,613,972 alleles (0.00012%); highest among the groups gnomAD compares: Non-Finnish European, 0.00017%; no homozygotes.

Submissions (2):

Labcorp Genetics (formerly Invitae), Labcorp
Classification: Pathogenic for Very long chain acyl-CoA dehydrogenase deficiency. Last evaluated: 2023-12-11. Review status: criteria provided, single submitter. Criteria: Invitae Variant Classification Sherloc (09022015). Collection method: clinical testing. Allele origin: germline.
Comment: This sequence change replaces valine, which is neutral and non-polar, with glycine, which is neutral and non-polar, at codon 164 of the ACADVL protein (p.Val164Gly). This variant is not present in population databases (gnomAD no frequency). This missense change has been observed in individual(s) with clinical features of very long chain acyl-CoA dehydrogenase deficiency (PMID: 23169530; Invitae). In at least one individual the data is consistent with being in trans (on the opposite chromosome) from a pathogenic variant. ClinVar contains an entry for this variant (Variation ID: 932861). Advanced modeling of protein sequence and biophysical properties (such as structural, functional, and spatial information, amino acid conservation, physicochemical variation, residue mobility, and thermodynamic stability) performed at Invitae indicates that this missense variant is expected to disrupt ACADVL protein function with a positive predictive value of 95%. For these reasons, this variant has been classified as Pathogenic.

Wong Mito Lab, Molecular and Human Genetics, Baylor College of Medicine
Classification: Uncertain significance for Very long chain acyl-CoA dehydrogenase deficiency. Last evaluated: 2019-11-01. Review status: criteria provided, single submitter. Criteria: ACMG Guidelines, 2015. Collection method: clinical testing. Allele origin: germline.
Comment: The NM_000018.3:c.491T>G (NP_000009.1:p.Val164Gly) [GRCH38: NC_000017.11:g.7221551T>G] variant in ACADVL gene is interpretated to be Uncertain Significance based on ACMG guidelines (PMID: 25741868). This variant has been reported. This variant meets the following evidence codes reported in the ACMG guidelines: PP3

Literature cited by the submitters: PubMed 23169530 (cited by Labcorp Genetics (formerly Invitae), Labcorp).

NM_000018.4(ACADVL):c.491T>G (p.Val164Gly)

Gene: ACADVL (acyl-CoA dehydrogenase very long chain; plus strand). Cytogenetic location: 17p13.1.
Variant type: single nucleotide variant.
Coding change: c.491T>G on transcript NM_000018.4 (MANE Select); coding-DNA position 491, T replaced by G.
Protein change: p.Val164Gly; replaces valine 164 with glycine.
Molecular consequence: missense variant.
Genome position (GRCh38, 1-based): chr17:7,221,551, T>G. VCF-style: chr17-7221551-T-G. GRCh37 (hg19) VCF-style: chr17-7124870-T-G.
Other names: c.425T>G, p.Val142Gly (NM_001033859.3); c.560T>G, p.Val187Gly (NM_001270447.2); c.263T>G, p.Val88Gly (NM_001270448.2); short protein forms V142G, V164G, V187G, V88G.
Identifiers: ClinVar variation 932861 (VCV000932861.8), dbSNP rs2071225938, ClinGen allele CA397723022.